The following is an entry in ClinVar:

NM_138694.4(PKHD1):c.1485C>T (p.Val495=)

Gene: PKHD1 (PKHD1 ciliary IPT domain containing fibrocystin/polyductin; minus strand). Cytogenetic location: 6p12.2.
Variant type: single nucleotide variant.
Coding change: c.1485C>T on transcript NM_138694.4 (MANE Select); coding-DNA position 1485, C replaced by T.
Protein change: p.Val495=; no amino-acid change (valine 495 retained).
Molecular consequence: synonymous variant.
Genome position (GRCh38, 1-based): chr6:52,058,350, G>A on the plus strand (C>T on the coding strand, the complement: PKHD1 is on the minus strand). VCF-style: chr6-52058350-G-A. GRCh37 (hg19) VCF-style: chr6-51923148-G-A.
Other names: c.1485C>T, p.Val495= (NM_170724.3); c.1485C>T (NM_138694.3).
Identifiers: ClinVar variation 1901803 (VCV001901803.6), dbSNP rs765520501, ClinGen allele CA3853550.

ClinVar aggregate classification (germline): Likely benign. Review status: criteria provided, single submitter (1 of 4 stars). 2 submissions from 2 submitters: Likely benign (1). 1 of the submissions does not count toward it. Last evaluated 2022-06-23.

Conditions:
PKHD1-related disorder. Also called: PKHD1-related condition.
Autosomal recessive polycystic kidney disease (ARPKD). Also called: AR polycystic kidney disease. Identifiers: Orphanet 731, Orphanet 8378, MedGen C0085548, MeSH D017044, MONDO:0009889.

Allele frequency attached by ClinVar (database versions not stated): gnomAD exomes below 0.00001; ExAC 0.00001.
gnomAD v4.1: 2 of 1,614,132 alleles (0.00012%); highest among the groups gnomAD compares: South Asian, 0.0022%; no homozygotes.

Submissions (2):

Labcorp Genetics (formerly Invitae), Labcorp
Classification: Likely benign for Autosomal recessive polycystic kidney disease. Last evaluated: 2022-06-23. Review status: criteria provided, single submitter. Criteria: Invitae Variant Classification Sherloc (09022015). Collection method: clinical testing. Allele origin: germline.

PreventionGenetics, part of Exact Sciences
Classification: Likely benign for PKHD1-related condition. Last evaluated: 2024-08-12. Review status: no assertion criteria provided. Collection method: clinical testing. Allele origin: germline. Not counted in ClinVar's aggregate classification.
Comment: This variant is classified as likely benign based on ACMG/AMP sequence variant interpretation guidelines (Richards et al. 2015 PMID: 25741868, with internal and published modifications).